The following is an entry in ClinVar:

NM_001287491.2(TET3):c.2087C>T (p.Ser696Phe)

Gene: TET3 (tet methylcytosine dioxygenase 3; plus strand). Cytogenetic location: 2p13.1.
Variant type: single nucleotide variant.
Coding change: c.2087C>T on transcript NM_001287491.2 (MANE Select); coding-DNA position 2087, C replaced by T.
Protein change: p.Ser696Phe; replaces serine 696 with phenylalanine.
Molecular consequence: missense variant.
Genome position (GRCh38, 1-based): chr2:74,048,004, C>T. VCF-style: chr2-74048004-C-T. GRCh37 (hg19) VCF-style: chr2-74275131-C-T.
Other names: c.1808C>T, p.Ser603Phe (NM_001366022.1); short protein forms S696F, S603F.
Identifiers: ClinVar variation 5002940 (VCV005002940.1).

ClinVar aggregate classification (germline): Uncertain significance (1 of 4 stars; one submission).

Conditions:
Beck-Fahrner syndrome (BEFAHRS). Identifiers: Orphanet 684216, MedGen C5394097, MONDO:0032922, OMIM 618798.

gnomAD v4.1: 2 of 1,609,028 alleles (0.00012%); highest among the groups gnomAD compares: African/African-American, 0.0013%; no homozygotes.

Submission:

OLLIN Analises Genomicas, OLLIN
Classification: Uncertain significance for Beck-Fahrner syndrome. Last evaluated: 2026-08-06. Review status: criteria provided, single submitter. Criteria: ACMG Guidelines 2015 PMID 25741868. Collection method: clinical testing. Allele origin: germline.
Comment: This missense variant, located in exon 4 (of 12), has been observed in gnomAD with an allele frequency of 0.00012%, but has not been reported in ClinVar or identified in the literature. In silico analysis predicts that this variant has a tolerated effect. This gene is constrained for missense variation. According to the currently available evidence, this variant has been classified as uncertain significance (PM2_P, PP2, BP4_M).